The following is an entry in ClinVar:

ClinVar aggregate classification (germline): Uncertain significance (1 of 4 stars; one submission).

Conditions:
Infantile myofibromatosis (IMF). Also called: Congenital generalized fibromatosis. Identifiers: Orphanet 2591, MedGen C0432284, MONDO:0016824.
Skeletal overgrowth-craniofacial dysmorphism-hyperelastic skin-white matter lesions syndrome. Also called: SKELETAL OVERGROWTH WITH FACIAL DYSMORPHISM, HYPERELASTIC SKIN, WHITE MATTER LESIONS, AND NEUROLOGIC DETERIORATION; Kosaki overgrowth syndrome. Identifiers: Orphanet 477831, MedGen C4225270, MONDO:0014704, OMIM 616592.
Basal ganglia calcification, idiopathic, 4 (PFBC4). Also called: Familial Idiopathic Basal Ganglia Calcification 4; PRIMARY FAMILIAL BRAIN CALCIFICATION 4, AUTOSOMAL DOMINANT. Identifiers: Orphanet 1980, MedGen C3554321, MONDO:0014004, OMIM 615007.
Acroosteolysis-keloid-like lesions-premature aging syndrome. Also called: Premature aging syndrome, Penttinen type; Prematurely aged appearance, delayed bone maturation, acro-osteolysis, and brachydactyly; Progeroid syndrome, Penttinen type. Identifiers: Orphanet 363665, MedGen C1866182, MONDO:0011150, OMIM 601812.

Allele frequency attached by ClinVar (database versions not stated): gnomAD exomes below 0.00001.

Submission:

Labcorp Genetics (formerly Invitae), Labcorp
Classification: Uncertain significance for Basal ganglia calcification, idiopathic, 4; Skeletal overgrowth-craniofacial dysmorphism-hyperelastic skin-white matter lesions syndrome; Infantile myofibromatosis; Acroosteolysis-keloid-like lesions-premature aging syndrome. Last evaluated: 2025-05-05. Review status: criteria provided, single submitter. Criteria: Invitae Variant Classification Sherloc (09022015). Collection method: clinical testing. Allele origin: germline.
Comment: This sequence change replaces aspartic acid, which is acidic and polar, with asparagine, which is neutral and polar, at codon 885 of the PDGFRB protein (p.Asp885Asn). This variant is not present in population databases (gnomAD no frequency). This variant has not been reported in the literature in individuals affected with PDGFRB-related conditions. ClinVar contains an entry for this variant (Variation ID: 2202027). Invitae Evidence Modeling of protein sequence and biophysical properties (such as structural, functional, and spatial information, amino acid conservation, physicochemical variation, residue mobility, and thermodynamic stability) has been performed for this missense variant. However, the output from this modeling did not meet the statistical confidence thresholds required to predict the impact of this variant on PDGFRB protein function. In summary, the available evidence is currently insufficient to determine the role of this variant in disease. Therefore, it has been classified as a Variant of Uncertain Significance.

NM_002609.4(PDGFRB):c.2653G>A (p.Asp885Asn)

Gene: PDGFRB (platelet derived growth factor receptor beta; minus strand). Cytogenetic location: 5q32.
Variant type: single nucleotide variant.
Coding change: c.2653G>A on transcript NM_002609.4 (MANE Select); coding-DNA position 2653, G replaced by A.
Protein change: p.Asp885Asn; replaces aspartic acid 885 with asparagine.
Molecular consequence: missense variant.
Genome position (GRCh38, 1-based): chr5:150,120,057, C>T on the plus strand (G>A on the coding strand, the complement: PDGFRB is on the minus strand). VCF-style: chr5-150120057-C-T. GRCh37 (hg19) VCF-style: chr5-149499620-C-T.
Other names: c.2461G>A, p.Asp821Asn (NM_001355016.2); c.2170G>A, p.Asp724Asn (NM_001355017.2); short protein forms D821N, D885N, D724N.
Identifiers: ClinVar variation 2202027 (VCV002202027.4), dbSNP rs2481183290, ClinGen allele CA361759399.